The following is an entry in ClinVar:

ClinVar aggregate classification (germline): Uncertain significance (1 of 4 stars; one submission).

Conditions:
Hepatic methionine adenosyltransferase deficiency. Also called: MAT I/III DEFICIENCY; Deficiency of methionine adenosyltransferase; Isolated Persistent Hypermethioninemia; Methionine adenosyltransferase deficiency. Identifiers: Orphanet 168598, MedGen C0268621, MeSH C564683, MONDO:0009607, OMIM 250850.

Submission:

Labcorp Genetics (formerly Invitae), Labcorp
Classification: Uncertain significance for Hepatic methionine adenosyltransferase deficiency. Last evaluated: 2024-08-27. Review status: criteria provided, single submitter. Criteria: Invitae Variant Classification Sherloc (09022015). Collection method: clinical testing. Allele origin: germline.
Comment: This sequence change replaces glutamic acid, which is acidic and polar, with alanine, which is neutral and non-polar, at codon 23 of the MAT1A protein (p.Glu23Ala). This variant is not present in population databases (gnomAD no frequency). This variant has not been reported in the literature in individuals affected with MAT1A-related conditions. Invitae Evidence Modeling of protein sequence and biophysical properties (such as structural, functional, and spatial information, amino acid conservation, physicochemical variation, residue mobility, and thermodynamic stability) indicates that this missense variant is expected to disrupt MAT1A protein function with a positive predictive value of 80%. In summary, the available evidence is currently insufficient to determine the role of this variant in disease. Therefore, it has been classified as a Variant of Uncertain Significance.

NM_000429.3(MAT1A):c.68A>C (p.Glu23Ala)

Gene: MAT1A (methionine adenosyltransferase 1A; minus strand). Cytogenetic location: 10q22.3.
Variant type: single nucleotide variant.
Coding change: c.68A>C on transcript NM_000429.3 (MANE Select); coding-DNA position 68, A replaced by C.
Protein change: p.Glu23Ala; replaces glutamic acid 23 with alanine.
Molecular consequence: missense variant.
Genome position (GRCh38, 1-based): chr10:80,289,356, T>G on the plus strand (A>C on the coding strand, the complement: MAT1A is on the minus strand). VCF-style: chr10-80289356-T-G. GRCh37 (hg19) VCF-style: chr10-82049112-T-G.
Other names: short protein forms E23A.
Identifiers: ClinVar variation 3663521 (VCV003663521.2).